The following is an entry in ClinVar:

ClinVar aggregate classification (germline): Uncertain significance (1 of 4 stars; one submission).

gnomAD v4.1: 1 of 1,612,222 alleles (0.000062%); highest among the groups gnomAD compares: Admixed American, 0.0017%; no homozygotes.

Submission:

Labcorp Genetics (formerly Invitae), Labcorp
Classification: Uncertain significance. Last evaluated: 2022-12-06. Review status: criteria provided, single submitter. Criteria: Invitae Variant Classification Sherloc (09022015). Collection method: clinical testing. Allele origin: germline.
Comment: This sequence change replaces valine, which is neutral and non-polar, with leucine, which is neutral and non-polar, at codon 242 of the NAA35 protein (p.Val242Leu). This variant is present in population databases (no rsID available, gnomAD 0.003%). This variant has not been reported in the literature in individuals affected with NAA35-related conditions. Algorithms developed to predict the effect of missense changes on protein structure and function (SIFT, PolyPhen-2, Align-GVGD) all suggest that this variant is likely to be tolerated. In summary, the available evidence is currently insufficient to determine the role of this variant in disease. Therefore, it has been classified as a Variant of Uncertain Significance.

NM_024635.4(NAA35):c.724G>T (p.Val242Leu)

Gene: NAA35 (N-alpha-acetyltransferase 35, NatC auxiliary subunit; plus strand). Cytogenetic location: 9q21.33.
Variant type: single nucleotide variant.
Coding change: c.724G>T on transcript NM_024635.4 (MANE Select); coding-DNA position 724, G replaced by T.
Protein change: p.Val242Leu; replaces valine 242 with leucine.
Molecular consequence: missense variant.
Genome position (GRCh38, 1-based): chr9:85,977,408, G>T. VCF-style: chr9-85977408-G-T. GRCh37 (hg19) VCF-style: chr9-88592323-G-T.
Other names: c.724G>T, p.Val242Leu (NM_001321881.2, NM_001321882.2); short protein forms V242L.
Identifiers: ClinVar variation 2103335 (VCV002103335.4), dbSNP rs1392754201, ClinGen allele CA374013934.